The following is an entry in ClinVar:

NM_001999.4(FBN2):c.254+5G>A

Gene: FBN2 (fibrillin 2; minus strand). Cytogenetic location: 5q23.3.
Variant type: single nucleotide variant.
Coding change: c.254+5G>A on transcript NM_001999.4 (MANE Select); 5 bases into the intron after coding-DNA position 254, G replaced by A.
Molecular consequence: intron variant.
Genome position (GRCh38, 1-based): chr5:128,537,345, C>T on the plus strand (G>A on the coding strand, the complement: FBN2 is on the minus strand). VCF-style: chr5-128537345-C-T. GRCh37 (hg19) VCF-style: chr5-127873038-C-T.
Identifiers: ClinVar variation 2955723 (VCV002955723.3), dbSNP rs777758627, ClinGen allele CA3396196.

ClinVar aggregate classification (germline): Uncertain significance (1 of 4 stars; one submission).

Conditions:
Congenital contractural arachnodactyly (CCA). Also called: BEALS SYNDROME; Arthrogryposis, distal, type 9; Beals-Hecht syndrome. Identifiers: Orphanet 115, MedGen C0220668, MONDO:0007363, OMIM 121050.

Allele frequency attached by ClinVar (database versions not stated): gnomAD exomes below 0.00001; ExAC 0.00001.
gnomAD v4.1: 2 of 1,610,176 alleles (0.00012%); no homozygotes.

Submission:

Labcorp Genetics (formerly Invitae), Labcorp
Classification: Uncertain significance for Congenital contractural arachnodactyly. Last evaluated: 2023-04-13. Review status: criteria provided, single submitter. Criteria: Invitae Variant Classification Sherloc (09022015). Collection method: clinical testing. Allele origin: germline.
Comment: The frequency data for this variant in the population databases is considered unreliable, as metrics indicate poor data quality at this position in the gnomAD database. In summary, the available evidence is currently insufficient to determine the role of this variant in disease. Therefore, it has been classified as a Variant of Uncertain Significance. Variants that disrupt the consensus splice site are a relatively common cause of aberrant splicing (PMID: 17576681, 9536098). Algorithms developed to predict the effect of sequence changes on RNA splicing suggest that this variant is not likely to affect RNA splicing. This variant has been observed in individual(s) with thoracic aortic aneurysm (Invitae). This sequence change falls in intron 1 of the FBN2 gene. It does not directly change the encoded amino acid sequence of the FBN2 protein. It affects a nucleotide within the consensus splice site.

Literature cited by the submitters: PubMed 17576681; PubMed 9536098.